The following is an entry in ClinVar:

ClinVar aggregate classification (germline): Uncertain significance (1 of 4 stars; one submission).

Submission:

GeneDx
Classification: Uncertain significance. Last evaluated: 2024-04-12. Review status: criteria provided, single submitter. Criteria: GeneDx Variant Classification Process June 2021. Collection method: clinical testing. Allele origin: germline. Affected: yes.
Comment: Not observed at significant frequency in large population cohorts (gnomAD); In silico analysis indicates that this missense variant does not alter protein structure/function; Has not been previously published as pathogenic or benign to our knowledge

NM_005676.5(RBM10):c.2054G>A (p.Arg685Gln)

Gene: RBM10 (RNA binding motif protein 10; plus strand). Cytogenetic location: Xp11.3.
Variant type: single nucleotide variant.
Coding change: c.2054G>A on transcript NM_005676.5 (MANE Select); coding-DNA position 2054, G replaced by A.
Protein change: p.Arg685Gln; replaces arginine 685 with glutamine.
Molecular consequence: missense variant.
Genome position (GRCh38, 1-based): chrX:47,185,158, G>A. VCF-style: chrX-47185158-G-A. GRCh37 (hg19) VCF-style: chrX-47044557-G-A.
Other names: c.1823G>A, p.Arg608Gln (NM_001204466.2); c.2051G>A, p.Arg684Gln (NM_001204467.2); c.2249G>A, p.Arg750Gln (NM_001204468.2); c.1820G>A, p.Arg607Gln (NM_152856.3); short protein forms R607Q, R608Q, R684Q, R685Q, R750Q.
Identifiers: ClinVar variation 3372232 (VCV003372232.1).
Genomic context (GRCh38, chrX:47,185,158, plus strand): 5'-AAAAAGAAAACTTCAAAAATAGCTTCCAGCCTATCAGCTCCCTGCGAGATGACGAGAGGC[G>A]GGAGTCAGCCACTGCAGATGCTGGCTATGCCATCCTCGAGAAGAAGGTGTGTTGGGGCCA-3'
Protein context (NP_005667.2, residues 675-695): PISSLRDDER[Arg685Gln]ESATADAGYA